The following is an entry in ClinVar:

NM_001399.5(EDA):c.1008C>T (p.Ile336=)

Gene: EDA (ectodysplasin A; plus strand). Cytogenetic location: Xq13.1.
Variant type: single nucleotide variant.
Coding change: c.1008C>T on transcript NM_001399.5 (MANE Select); coding-DNA position 1008, C replaced by T.
Protein change: p.Ile336=; no amino-acid change (isoleucine 336 retained).
Molecular consequence: synonymous variant.
Genome position (GRCh38, 1-based): chrX:70,035,441, C>T. VCF-style: chrX-70035441-C-T. GRCh37 (hg19) VCF-style: chrX-69255291-C-T.
Other names: c.1002C>T, p.Ile334= (NM_001005609.2); c.993C>T, p.Ile331= (NM_001005612.3); c.1008C>T (NM_001399.4).
Identifiers: ClinVar variation 1130518 (VCV001130518.11), dbSNP rs746241095, ClinGen allele CA10439037.
Genomic context (GRCh38, chrX:70,035,441, plus strand): 5'-CTTTGCCAGCTATGAGGTGGTGGTGGATGAGAAGCCCTTCCTGCAGTGCACACGCAGCAT[C>T]GAGACGGGCAAGACCAACTACAACACTTGCTATACCGCAGGCGTCTGCCTCCTCAAGGCC-3'
Protein context (NP_001390.1, residues 326-346): EKPFLQCTRS[Ile336=]ETGKTNYNTC

ClinVar aggregate classification (germline): Likely benign. Review status: criteria provided, single submitter (1 of 4 stars). 2 submissions from 2 submitters: Likely benign (1). 1 of the submissions does not count toward it. Last evaluated 2020-02-06.

Conditions:
EDA-related disorder. Also called: EDA-related disorders; EDA-related condition.
Hypohidrotic X-linked ectodermal dysplasia (XHED). Also called: ECTODERMAL DYSPLASIA, HYPOHIDROTIC, 1; CST SYNDROME; Anhidrotic ectodermal dysplasia X-linked; Christ Siemens Touraine syndrome; ECTODERMAL DYSPLASIA 1, HYPOHIDROTIC, X-LINKED; ECTODERMAL DYSPLASIA 1. Identifiers: Orphanet 181, Orphanet 238468, MedGen C0162359, MONDO:0010585, OMIM 305100.

Allele frequency attached by ClinVar (database versions not stated): gnomAD exomes below 0.00001; TOPMed 0.00001.
gnomAD v4.1: 2 of 1,210,536 alleles (0.00017%); highest among the groups gnomAD compares: South Asian, 0.0018%; no homozygotes.

Submissions (2):

Labcorp Genetics (formerly Invitae), Labcorp
Classification: Likely benign for Hypohidrotic X-linked ectodermal dysplasia. Last evaluated: 2020-02-06. Review status: criteria provided, single submitter. Criteria: Invitae Variant Classification Sherloc (09022015). Collection method: clinical testing. Allele origin: germline.

PreventionGenetics, part of Exact Sciences
Classification: Likely benign for EDA-related condition. Last evaluated: 2019-04-30. Review status: no assertion criteria provided. Collection method: clinical testing. Allele origin: germline. Not counted in ClinVar's aggregate classification.
Comment: This variant is classified as likely benign based on ACMG/AMP sequence variant interpretation guidelines (Richards et al. 2015 PMID: 25741868, with internal and published modifications).